The following is an entry in ClinVar:

ClinVar aggregate classification (germline): Likely benign. Review status: criteria provided, multiple submitters, no conflicts (2 of 4 stars). 2 submissions from 2 submitters: Likely benign (2). Last evaluated 2026-09-18.

Conditions:
CEP164-related disorder. Also called: CEP164-related condition.

gnomAD v4.1: 27 of 1,591,726 alleles (0.0017%); highest among the groups gnomAD compares: Non-Finnish European, 0.0023%; no homozygotes.

Submissions (2):

PreventionGenetics, part of Exact Sciences
Classification: Likely benign for CEP164-related condition. Last evaluated: 2026-09-18. Review status: criteria provided, single submitter. Criteria: ACMG Guidelines, 2015. Collection method: clinical testing. Allele origin: germline.
Comment: This variant is classified as likely benign based on ACMG/AMP sequence variant interpretation guidelines (Richards et al. 2015 PMID: 25741868, with internal and published modifications).

Blueprint Genetics
Classification: Likely benign. Last evaluated: 2022-09-12. Review status: criteria provided, single submitter. Criteria: ACMG Guidelines, 2015. Collection method: clinical testing. Allele origin: germline.

NM_014956.5(CEP164):c.772C>T (p.Leu258=)

Gene: CEP164 (centrosomal protein 164; plus strand). Cytogenetic location: 11q23.3.
Variant type: single nucleotide variant.
Coding change: c.772C>T on transcript NM_014956.5 (MANE Select); coding-DNA position 772, C replaced by T.
Protein change: p.Leu258=; no amino-acid change (leucine 258 retained).
Molecular consequence: synonymous variant.
Genome position (GRCh38, 1-based): chr11:117,371,086, C>T. VCF-style: chr11-117371086-C-T. GRCh37 (hg19) VCF-style: chr11-117241802-C-T.
Other names: c.772C>T (NM_014956.4); c.772C>T, p.Leu258= (NM_001271933.2, NM_001440949.1, NM_001440950.1 and 16 more transcripts); c.694C>T, p.Leu232= (NM_001440952.1, NM_001440954.1, NM_001440955.1 and 17 more transcripts); c.634C>T, p.Leu212= (NM_001440960.1).
Identifiers: ClinVar variation 4914120 (VCV004914120.2).